The following is an entry in ClinVar:

ClinVar aggregate classification (germline): Likely benign. Review status: criteria provided, multiple submitters, no conflicts (2 of 4 stars). 4 submissions from 4 submitters: Likely benign (4). Last evaluated 2025-11-16.

Conditions:
Cardiovascular phenotype. Identifiers: MedGen CN230736.
Duchenne muscular dystrophy (DMD). Also called: Duchenne Muscular Dystrophy (DMD); MUSCULAR DYSTROPHY, PSEUDOHYPERTROPHIC PROGRESSIVE, DUCHENNE TYPE. Identifiers: Orphanet 98896, MedGen C0013264, MONDO:0010679, OMIM 310200.

Allele frequency attached by ClinVar (database versions not stated): TOPMed 0.00002.
gnomAD v4.1: 33 of 1,208,880 alleles (0.0027%); highest among the groups gnomAD compares: Non-Finnish European, 0.0032%; no homozygotes.

Submissions (4):

Labcorp Genetics (formerly Invitae), Labcorp
Classification: Likely benign for Duchenne muscular dystrophy. Last evaluated: 2025-11-16. Review status: criteria provided, single submitter. Criteria: Invitae Variant Classification Sherloc (09022015). Collection method: clinical testing. Allele origin: germline.

Blueprint Genetics
Classification: Likely benign. Last evaluated: 2023-11-29. Review status: criteria provided, single submitter. Criteria: ACMG Guidelines, 2015. Collection method: clinical testing. Allele origin: germline.

Ambry Genetics
Classification: Likely benign for Cardiovascular phenotype. Last evaluated: 2021-06-04. Review status: criteria provided, single submitter. Criteria: Ambry Variant Classification Scheme 2023. Collection method: clinical testing. Allele origin: germline.

GeneDx
Classification: Likely benign. Last evaluated: 2018-05-30. Review status: criteria provided, single submitter. Criteria: GeneDx Variant Classification (06012015). Collection method: clinical testing. Allele origin: germline. Affected: yes.
Comment: This variant is considered likely benign or benign based on one or more of the following criteria: it is a conservative change, it occurs at a poorly conserved position in the protein, it is predicted to be benign by multiple in silico algorithms, and/or has population frequency not consistent with disease.

NM_004006.3(DMD):c.3046C>A (p.Arg1016=)

Gene: DMD (dystrophin; minus strand). Cytogenetic location: Xp21.1.
Variant type: single nucleotide variant.
Coding change: c.3046C>A on transcript NM_004006.3 (MANE Select); coding-DNA position 3046, C replaced by A.
Protein change: p.Arg1016=; no amino-acid change (arginine 1016 retained).
Molecular consequence: synonymous variant.
Genome position (GRCh38, 1-based): chrX:32,468,614, G>T on the plus strand (C>A on the coding strand, the complement: DMD is on the minus strand). VCF-style: chrX-32468614-G-T. GRCh37 (hg19) VCF-style: chrX-32486731-G-T.
Other names: c.3022C>A, p.Arg1008= (NM_000109.4); c.3034C>A, p.Arg1012= (NM_004009.3); c.2677C>A, p.Arg893= (NM_004010.3).
Identifiers: ClinVar variation 663605 (VCV000663605.14), dbSNP rs199808421, ClinGen allele CA10379369.